The following is an entry in ClinVar:

NM_001127222.2(CACNA1A):c.4508A>G (p.Asn1503Ser)

Gene: CACNA1A (calcium voltage-gated channel subunit alpha1 A; minus strand). Cytogenetic location: 19p13.13.
Variant type: single nucleotide variant.
Coding change: c.4508A>G on transcript NM_001127222.2 (MANE Select); coding-DNA position 4508, A replaced by G.
Protein change: p.Asn1503Ser; replaces asparagine 1503 with serine.
Molecular consequence: missense variant.
Genome position (GRCh38, 1-based): chr19:13,257,432, T>C on the plus strand (A>G on the coding strand, the complement: CACNA1A is on the minus strand). VCF-style: chr19-13257432-T-C. GRCh37 (hg19) VCF-style: chr19-13368246-T-C.
Other names: c.4520A>G, p.Asn1507Ser (NM_000068.4, NM_023035.3); c.4511A>G, p.Asn1504Ser (NM_001127221.2, NM_001174080.2); c.4508A>G (NM_001127222.1); short protein forms N1503S, N1504S, N1507S.
Identifiers: ClinVar variation 1048633 (VCV001048633.2), dbSNP rs2144748359, ClinGen allele CA404338904.

ClinVar aggregate classification (germline): Conflicting classifications of pathogenicity. Review status: criteria provided, conflicting classifications (1 of 4 stars). 2 submissions from 2 submitters: Likely pathogenic (1); Uncertain significance (1). Last evaluated 2025-04-24.

Conditions:
Cerebellar ataxia. Identifiers: Orphanet 102002, MedGen C0007758, MONDO:0000437.
CACNA1A-related disorder. Also called: CACNA1A-related condition.

Submissions (2):

PreventionGenetics, part of Exact Sciences
Classification: Likely pathogenic for CACNA1A-related condition. Last evaluated: 2025-04-24. Review status: criteria provided, single submitter. Criteria: ACMG Guidelines, 2015. Collection method: clinical testing. Allele origin: germline.
Comment: The CACNA1A c.4508A>G variant is predicted to result in the amino acid substitution p.Asn1503Ser. To our knowledge, this variant has not been reported in the literature or in a large population database (gnomAD), indicating this variant is rare. We classify this variant as likely pathogenic.

MVZ Martinsried, Medicover Genetics
Classification: Uncertain significance for Ataxia. Last evaluated: 2021-02-22. Review status: criteria provided, single submitter. Criteria: ACGS Guidelines, 2020. Collection method: clinical testing. Allele origin: unknown. Affected: yes.